The following is an entry in ClinVar:

ClinVar aggregate classification (germline): Uncertain significance. Review status: criteria provided, multiple submitters, no conflicts (2 of 4 stars). 2 submissions from 2 submitters: Uncertain significance (2). Last evaluated 2026-02-11.

Conditions:
JAK2-related disorder. Also called: JAK2-related condition.
Thrombocythemia 3 (THCYT3). Also called: THROMBOCYTOSIS 3; THROMBOCYTHEMIA 3, SOMATIC. Identifiers: MedGen C3281125, MONDO:0013794, OMIM 614521.

gnomAD v4.1: 4 of 1,598,342 alleles (0.00025%); highest among the groups gnomAD compares: Non-Finnish European, 0.00034%; no homozygotes.

Submissions (2):

St. Jude Molecular Pathology, St. Jude Children's Research Hospital
Classification: Uncertain significance for Thrombocythemia 3. Last evaluated: 2026-02-11. Review status: criteria provided, single submitter. Criteria: St. Jude Assertion Criteria 2020. Collection method: clinical testing. Allele origin: germline.
Comment: The JAK2 c.1674G>T p.(Lys558Asn) missense change is absent in gnomAD v2.1.1. The in silico tool REVEL is inconclusive about a pathogenic or benign effect of this variant on protein function, but to our knowledge this prediction has not been confirmed by functional studies. To our knowledge, this variant has not been reported in individuals with JAK2-related disease. In summary, the evidence currently available is insufficient to determine the clinical significance of this variant. It has therefore been classified as of uncertain significance.

PreventionGenetics, part of Exact Sciences
Classification: Uncertain significance for JAK2-related condition. Last evaluated: 2025-07-07. Review status: criteria provided, single submitter. Criteria: ACMG Guidelines, 2015. Collection method: clinical testing. Allele origin: germline.
Comment: The JAK2 c.1674G>T variant is predicted to result in the amino acid substitution p.Lys558Asn. To our knowledge, this variant has not been reported in the literature or in a large population database (gnomAD), indicating this variant is rare. At this time, the clinical significance of this variant is uncertain due to the absence of conclusive functional and genetic evidence.

NM_004972.4(JAK2):c.1674G>T (p.Lys558Asn)

Genes: INSL6 (insulin like 6; minus strand), JAK2 (Janus kinase 2; plus strand). Cytogenetic location: 9p24.1.
Variant type: single nucleotide variant.
Coding change: c.1674G>T on transcript NM_004972.4 (MANE Select); coding-DNA position 1674, G replaced by T.
Protein change: p.Lys558Asn; replaces lysine 558 with asparagine.
Molecular consequence: missense variant. On other transcripts: non-coding transcript variant (2).
Genome position (GRCh38, 1-based): chr9:5,072,524, G>T. VCF-style: chr9-5072524-G-T. GRCh37 (hg19) VCF-style: chr9-5072524-G-T.
Other names: c.1674G>T, p.Lys558Asn (NM_001322194.2, NM_001322195.2, NM_001322196.2); c.459G>T, p.Lys153Asn (NM_001322198.2, NM_001322199.2); c.1227G>T, p.Lys409Asn (NM_001322204.2); short protein forms K153N, K409N, K558N.
Identifiers: ClinVar variation 4813146 (VCV004813146.2).
Genomic context (GRCh38, chr9:5,072,524, plus strand): 5'-TCTTTTCTTTTACCTTTTTCTCTTGAAGAATGAAAGCCTTGGCCAAGGCACTTTTACAAA[G>T]ATTTTTAAAGGCGTACGAAGAGAAGTAGGAGACTACGGTCAACTGCATGAAACAGAAGTT-3'
Protein context (NP_004963.1, residues 548-568): NESLGQGTFT[Lys558Asn]IFKGVRREVG